The following is an entry in ClinVar:

ClinVar aggregate classification (germline): Pathogenic (1 of 4 stars; one submission).

Conditions:
Nemaline myopathy 2 (NEM2). Also called: Nemaline myopathy 2, autosomal recessive. Identifiers: MedGen C1850569, MONDO:0009725, OMIM 256030.

Submission:

Myriad Genetics, Inc.
Classification: Pathogenic for Nemaline myopathy 2. Last evaluated: 2026-05-26. Review status: criteria provided, single submitter. Criteria: Myriad Autosomal Dominant, Autosomal Recessive and X-Linked Classification Criteria (2023). Collection method: clinical testing. Allele origin: unknown.
Comment: NM_001271208.1(NEB):c.23357dupA(Q7787Afs*15) is expected to be pathogenic in the context of NEB-related nemaline myopathy. This variant is predicted to lead to an abnormal or absent protein product due to the creation of a premature termination codon in NEB, a gene where loss-of-function variants are known to be pathogenic. Please note: this variant was assessed in the context of healthy population screening.

NM_001164508.2(NEB):c.23252dup (p.Gln7752fs)

Genes: RIF1 (replication timing regulatory factor 1; plus strand), NEB (nebulin; minus strand). Cytogenetic location: 2q23.3.
Variant type: Duplication.
Coding change: c.23252dup on transcript NM_001164508.2 (MANE Select); coding-DNA position 23252, one base duplicated (A; older notation c.23252dupA).
Protein change: p.Gln7752fs; shifts the reading frame from glutamine 7752.
Molecular consequence: frameshift variant.
Genome position (GRCh38, 1-based): chr2:151,512,827, T duplicated on the plus strand (A on the coding strand, the reverse complement: NEB is on the minus strand); the first of 2 consecutive T bases (chr2:151,512,827-151,512,828); duplicating either gives the same sequence. VCF-style (leftmost placement, unchanged base first): chr2-151512826-C-CT. GRCh37 (hg19) VCF-style: chr2-152369340-C-CT.
Other names: c.23252dup, p.Gln7752fs (NM_001164507.2); c.23357dup, p.Gln7787fs (NM_001271208.2); c.18149dup, p.Gln6051fs (NM_004543.5); short protein forms Q6051fs, Q7752fs, Q7787fs.
Identifiers: ClinVar variation 5015955 (VCV005015955.1).